The following is an entry in ClinVar:

ClinVar aggregate classification (germline): Pathogenic (0 of 4 stars; one submission).

Conditions:
Mild intellectual disability. Identifiers: MedGen C0026106, HP:0001256.

Submission:

Cytogénomique, Hospices Civils de Lyon
Classification: Pathogenic for Mild intellectual disability. Last evaluated: 2021-12-02. Review status: no assertion criteria provided. Collection method: clinical testing. Allele origin: maternal. Inheritance: Autosomal dominant inheritance. Affected: yes. Observed: 1 variant allele, 1 heterozygote.
Comment: Affects TCF4

Single allele

Gene: TCF4 (transcription factor 4; minus strand). Cytogenetic location: 18q21.2.
Variant type: Deletion.
Identifiers: ClinVar variation 1326873 (VCV001326873.2).